The following is an entry in ClinVar:

NM_001100913.3(PACS2):c.392C>T (p.Thr131Met)

Gene: PACS2 (phosphofurin acidic cluster sorting protein 2; plus strand). Cytogenetic location: 14q32.33.
Variant type: single nucleotide variant.
Coding change: c.392C>T on transcript NM_001100913.3 (MANE Select); coding-DNA position 392, C replaced by T.
Protein change: p.Thr131Met; replaces threonine 131 with methionine.
Molecular consequence: missense variant.
Genome position (GRCh38, 1-based): chr14:105,355,146, C>T. VCF-style: chr14-105355146-C-T. GRCh37 (hg19) VCF-style: chr14-105821483-C-T.
Other names: c.191C>T, p.Thr64Met (NM_001243127.3); c.392C>T, p.Thr131Met (NM_015197.4); short protein forms T131M, T64M.
Identifiers: ClinVar variation 4763868 (VCV004763868.1).

ClinVar aggregate classification (germline): Uncertain significance (1 of 4 stars; one submission).

gnomAD v4.1: 6 of 1,613,348 alleles (0.00037%); highest among the groups gnomAD compares: African/African-American, 0.0013%; no homozygotes.

Submission:

Labcorp Genetics (formerly Invitae), Labcorp
Classification: Uncertain significance. Last evaluated: 2025-06-15. Review status: criteria provided, single submitter. Criteria: Invitae Variant Classification Sherloc (09022015). Collection method: clinical testing. Allele origin: germline.
Comment: This sequence change replaces threonine, which is neutral and polar, with methionine, which is neutral and non-polar, at codon 131 of the PACS2 protein (p.Thr131Met). This variant is present in population databases (rs782050259, gnomAD 0.004%). This missense change has been observed in individual(s) with PACS2-related conditions (PMID: 33004838). An algorithm developed to predict the effect of missense changes on protein structure and function (PolyPhen-2) suggests that this variant is likely to be disruptive. In summary, the available evidence is currently insufficient to determine the role of this variant in disease. Therefore, it has been classified as a Variant of Uncertain Significance.

Literature cited by the submitters: PubMed 33004838.